The following is an entry in ClinVar:

NM_014363.6(SACS):c.416G>A (p.Gly139Glu)

Gene: SACS (sacsin molecular chaperone; minus strand). Cytogenetic location: 13q12.12.
Variant type: single nucleotide variant.
Coding change: c.416G>A on transcript NM_014363.6 (MANE Select); coding-DNA position 416, G replaced by A.
Protein change: p.Gly139Glu; replaces glycine 139 with glutamic acid.
Molecular consequence: missense variant. On other transcripts: 5 prime UTR variant (1).
Genome position (GRCh38, 1-based): chr13:23,365,207, C>T on the plus strand (G>A on the coding strand, the complement: SACS is on the minus strand). VCF-style: chr13-23365207-C-T. GRCh37 (hg19) VCF-style: chr13-23939346-C-T.
Other names: c.416G>A (NM_014363.4); c.-26G>A (NM_001278055.2); short protein forms G139E.
Identifiers: ClinVar variation 2865039 (VCV002865039.4), dbSNP rs759987183, ClinGen allele CA6912095.

ClinVar aggregate classification (germline): Conflicting classifications of pathogenicity. Review status: criteria provided, conflicting classifications (1 of 4 stars). 2 submissions from 2 submitters: Uncertain significance (1); Likely benign (1). Last evaluated 2024-12-24.

Conditions:
Spastic paraplegia. Identifiers: MedGen C0037772, HP:0001258.

Allele frequency attached by ClinVar (database versions not stated): gnomAD exomes below 0.00001; TOPMed below 0.00001; ExAC 0.00002; gnomAD 0.00003.
gnomAD v4.1: 6 of 1,612,932 alleles (0.00037%); highest among the groups gnomAD compares: East Asian, 0.011%; no homozygotes.

Submissions (2):

Labcorp Genetics (formerly Invitae), Labcorp
Classification: Likely benign for Spastic paraplegia. Last evaluated: 2024-12-24. Review status: criteria provided, single submitter. Criteria: Invitae Variant Classification Sherloc (09022015). Collection method: clinical testing. Allele origin: germline.

Athena Diagnostics
Classification: Uncertain significance. Last evaluated: 2024-02-02. Review status: criteria provided, single submitter. Criteria: Athena Diagnostics Criteria. Collection method: clinical testing. Allele origin: unknown.
Comment: Available data are insufficient to determine the clinical significance of the variant at this time. The frequency of this variant in the general population is uninformative in assessment of its pathogenicity. Computational tools predict that this variant is damaging.

Literature cited by the submitters: PubMed 35715682 (cited by Athena Diagnostics).